The following is an entry in ClinVar:

ClinVar aggregate classification (germline): Conflicting classifications of pathogenicity. Review status: criteria provided, conflicting classifications (1 of 4 stars). 2 submissions from 2 submitters: Uncertain significance (1); Likely benign (1). Last evaluated 2025-08-05.

Conditions:
Inborn genetic diseases. Identifiers: MedGen C0950123, MeSH D030342.
COG4-congenital disorder of glycosylation. Also called: CONGENITAL DISORDER OF GLYCOSYLATION, TYPE IIj; CDG IIj; COG4-CDG. Identifiers: Orphanet 263501, MedGen C4303552, MONDO:0013281, OMIM 613489.

Allele frequency attached by ClinVar (database versions not stated): gnomAD exomes 0.00002 and 0.00006; ExAC 0.00011; gnomAD 0.00017 and 0.00021; TOPMed 0.00022; 1000 Genomes Project 30x 0.00031; 1000 Genomes Project 0.00040.
gnomAD v4.1: 69 of 1,613,888 alleles (0.0043%); highest among the groups gnomAD compares: African/African-American, 0.075%; no homozygotes.

Submissions (2):

Ambry Genetics
Classification: Likely benign for Inborn genetic diseases. Last evaluated: 2025-08-05. Review status: criteria provided, single submitter. Criteria: Ambry Variant Classification Scheme 2023. Collection method: clinical testing. Allele origin: germline.

Labcorp Genetics (formerly Invitae), Labcorp
Classification: Uncertain significance for COG4-congenital disorder of glycosylation. Last evaluated: 2023-07-29. Review status: criteria provided, single submitter. Criteria: Invitae Variant Classification Sherloc (09022015). Collection method: clinical testing. Allele origin: germline.
Comment: ClinVar contains an entry for this variant (Variation ID: 569846). This variant has not been reported in the literature in individuals affected with COG4-related conditions. This variant is present in population databases (rs138701123, gnomAD 0.09%). This sequence change replaces phenylalanine, which is neutral and non-polar, with leucine, which is neutral and non-polar, at codon 632 of the COG4 protein (p.Phe632Leu). Advanced modeling of protein sequence and biophysical properties (such as structural, functional, and spatial information, amino acid conservation, physicochemical variation, residue mobility, and thermodynamic stability) performed at Invitae indicates that this missense variant is not expected to disrupt COG4 protein function. In summary, the available evidence is currently insufficient to determine the role of this variant in disease. Therefore, it has been classified as a Variant of Uncertain Significance.

NM_015386.3(COG4):c.1894T>C (p.Phe632Leu)

Gene: COG4 (component of oligomeric golgi complex 4; minus strand). Cytogenetic location: 16q22.1.
Variant type: single nucleotide variant.
Coding change: c.1894T>C on transcript NM_015386.3 (MANE Select); coding-DNA position 1894, T replaced by C.
Protein change: p.Phe632Leu; replaces phenylalanine 632 with leucine.
Molecular consequence: missense variant. On other transcripts: non-coding transcript variant (1).
Genome position (GRCh38, 1-based): chr16:70,482,755, A>G on the plus strand (T>C on the coding strand, the complement: COG4 is on the minus strand). VCF-style: chr16-70482755-A-G. GRCh37 (hg19) VCF-style: chr16-70516658-A-G.
Other names: c.1819T>C, p.Phe607Leu (NM_001195139.2); c.1468T>C, p.Phe490Leu (NM_001365426.1); short protein forms F632L, F490L, F607L.
Identifiers: ClinVar variation 569846 (VCV000569846.10), dbSNP rs138701123, ClinGen allele CA8144151.